The following is an entry in ClinVar:

ClinVar aggregate classification (germline): Pathogenic (1 of 4 stars; one submission).

Submission:

Labcorp Genetics (formerly Invitae), Labcorp
Classification: Pathogenic. Last evaluated: 2021-05-05. Review status: criteria provided, single submitter. Criteria: Invitae Variant Classification Sherloc (09022015). Collection method: clinical testing. Allele origin: germline.
Comment: For these reasons, this variant has been classified as Pathogenic. This variant has not been reported in the literature in individuals with NR2E3-related conditions. This variant is not present in population databases (ExAC no frequency). This sequence change creates a premature translational stop signal (p.Gly51Alafs*96) in the NR2E3 gene. It is expected to result in an absent or disrupted protein product. Loss-of-function variants in NR2E3 are known to be pathogenic (PMID: 15459973, 27522502).

Literature cited by the submitters: PubMed 15459973; PubMed 27522502.

NM_014249.4(NR2E3):c.133_151dup (p.Gly51fs)

Gene: NR2E3 (nuclear receptor subfamily 2 group E member 3; plus strand). Cytogenetic location: 15q23.
Variant type: Duplication.
Coding change: c.133_151dup on transcript NM_014249.4 (MANE Select); coding-DNA positions 133 to 151, 19 bases duplicated (CTCCAGTGCCGCGTGTGCG).
Protein change: p.Gly51fs; shifts the reading frame from glycine 51.
Molecular consequence: frameshift variant.
Genome position (GRCh38, 1-based): chr15:71,811,497-71,811,515, CTCCAGTGCCGCGTGTGCG duplicated; duplicating any 19 consecutive bases within chr15:71,811,495-71,811,515 gives the same sequence; the c. name uses the placement nearest the transcript's 3' end. VCF-style (leftmost placement, unchanged base first): chr15-71811494-T-TCGCTCCAGTGCCGCGTGTG. GRCh37 (hg19) VCF-style: chr15-72103834-T-TCGCTCCAGTGCCGCGTGTG.
Other names: c.133_151dup, p.Gly51fs (NM_016346.4); short protein forms G51fs.
Identifiers: ClinVar variation 1451083 (VCV001451083.6), dbSNP rs2140288636, ClinGen allele CA2573151139.
Genomic context (GRCh38, chr15:71,811,494, plus strand): 5'-TGCCCCGGCCCAGCCCTGCCCTGGCCCAGCCCTGCCCCCTGCCCCTCAGGCGTGAGCCCC[T>TCGCTCCAGTGCCGCGTGTG]CGCTCCAGTGCCGCGTGTGCGGAGACAGCAGCAGCGGGAAGCACTATGGCATCTATGCCT-3'